The following is an entry in ClinVar:

ClinVar aggregate classification (germline): Pathogenic/Likely pathogenic. Review status: criteria provided, multiple submitters, no conflicts (2 of 4 stars). 2 submissions from 2 submitters: Pathogenic (1); Likely pathogenic (1). Last evaluated 2024-02-22.

Conditions:
COL1A2-related disorder. Also called: COL1A2-Related Disorders; COL1A2-related condition.
Osteogenesis imperfecta type III (OI3). Also called: Osteogenesis imperfecta type 3; OI type 3; Osteogenesis imperfecta, progressively deforming with normal sclerae; OI type III; Progressively Deforming Osteogenesis Imperfecta. Identifiers: Orphanet 216812, Orphanet 666, MedGen C0268362, MONDO:0009804, OMIM 259420.

Submissions (2):

Institute of Human Genetics, University of Leipzig Medical Center
Classification: Pathogenic for Osteogenesis imperfecta type III. Last evaluated: 2024-02-22. Review status: criteria provided, single submitter. Criteria: ACMG Guidelines, 2015. Collection method: clinical testing. Allele origin: unknown. Inheritance: Autosomal dominant inheritance. Affected: yes.
Comment: Criteria applied: PM1_STR,PS4_MOD,PM5,PM2_SUP,PP3,PP4

Blueprint Genetics
Classification: Likely pathogenic for COL1A2-related disorders. Last evaluated: 2019-01-21. Review status: criteria provided, single submitter. Criteria: ACMG Guidelines, 2015. Collection method: clinical testing. Allele origin: germline. Affected: yes. Observed: 1 variant allele.

NM_000089.4(COL1A2):c.1847G>A (p.Gly616Glu)

Gene: COL1A2 (collagen type I alpha 2 chain; plus strand). Cytogenetic location: 7q21.3.
Variant type: single nucleotide variant.
Coding change: c.1847G>A on transcript NM_000089.4 (MANE Select); coding-DNA position 1847, G replaced by A.
Protein change: p.Gly616Glu; replaces glycine 616 with glutamic acid.
Molecular consequence: missense variant.
Genome position (GRCh38, 1-based): chr7:94,416,487, G>A. VCF-style: chr7-94416487-G-A. GRCh37 (hg19) VCF-style: chr7-94045799-G-A.
Other names: short protein forms G616E.
Identifiers: ClinVar variation 1224367 (VCV001224367.4), dbSNP rs1554397133, ClinGen allele CA368222717.